The following is an entry in ClinVar:

ClinVar aggregate classification (germline): Pathogenic/Likely pathogenic. Review status: criteria provided, multiple submitters, no conflicts (2 of 4 stars). 2 submissions from 2 submitters: Pathogenic (1); Likely pathogenic (1). Last evaluated 2024-03-05.

Conditions:
Juvenile polyposis syndrome (JPS). Identifiers: Orphanet 2929, MedGen C0345893, MONDO:0017380, OMIM 174900.

Submissions (2):

Quest Diagnostics Nichols Institute San Juan Capistrano
Classification: Pathogenic. Last evaluated: 2024-03-05. Review status: criteria provided, single submitter. Criteria: Quest Diagnostics criteria. Collection method: clinical testing. Allele origin: unknown.
Comment: The BMPR1A c.676-2A>G variant disrupts a canonical splice-acceptor site and interferes with normal BMPR1A mRNA splicing. This variant has not been reported in the published literature. This variant has not been reported in large, multi-ethnic general populations (Genome Aggregation Database). Based on the available information, this variant is classified as pathogenic.

Myriad Genetics, Inc.
Classification: Likely pathogenic for Juvenile polyposis syndrome. Last evaluated: 2023-05-26. Review status: criteria provided, single submitter. Criteria: Myriad Autosomal Dominant, Autosomal Recessive and X-Linked Classification Criteria (2023). Collection method: clinical testing. Allele origin: unknown.
Comment: This variant is considered likely pathogenic. This variant occurs within a consensus splice junction and is predicted to result in abnormal mRNA splicing of either an out-of-frame exon or an in-frame exon necessary for protein stability and/or normal function.

NM_004329.3(BMPR1A):c.676-2A>G

Gene: BMPR1A (bone morphogenetic protein receptor type 1A; plus strand). Cytogenetic location: 10q23.2.
Variant type: single nucleotide variant.
Coding change: c.676-2A>G on transcript NM_004329.3 (MANE Select); the canonical splice acceptor site of the intron before coding-DNA position 676, A replaced by G.
Molecular consequence: splice acceptor variant. On other transcripts: intron variant (1).
Genome position (GRCh38, 1-based): chr10:86,917,132, A>G. VCF-style: chr10-86917132-A-G. GRCh37 (hg19) VCF-style: chr10-88676889-A-G.
Other names: c.676-2A>G (NM_001406565.1, NM_001406574.1, NM_001406573.1 and 20 more transcripts); c.592-2A>G (NM_001406584.1, NM_001406588.1, NM_001406587.1 and 2 more transcripts); c.724-2A>G (NM_001406560.1); c.751-2A>G (NM_001406559.1); c.676-8A>G (NM_001406583.1); c.334-2A>G (NM_001406589.1).
Identifiers: ClinVar variation 2584130 (VCV002584130.3), dbSNP rs2539602383, ClinGen allele CA377456789.
Genomic context (GRCh38, chr10:86,917,132, plus strand): 5'-TTTGCCAGTCTTAATGGGTTTCTTTCATCAAGAGCTCAAACCTTTTACTTTTTTCTATAA[A>G]GGTTCAGCGAACTATTGCCAAACAGATTCAGATGGTCCGGCAAGTTGGTAAAGGCCGATA-3'